The following is an entry in ClinVar:

ClinVar aggregate classification (germline): Uncertain significance (1 of 4 stars; one submission).

Conditions:
Hereditary cancer-predisposing syndrome. Also called: Neoplastic Syndromes, Hereditary; Tumor predisposition; Hereditary neoplastic syndrome; Hereditary Cancer Syndrome. Identifiers: Orphanet 140162, MedGen C0027672, MeSH D009386, MONDO:0015356.

gnomAD v4.1: 2 of 1,611,630 alleles (0.00012%); highest among the groups gnomAD compares: Non-Finnish European, 0.00017%; no homozygotes.

Submission:

Ambry Genetics
Classification: Uncertain significance for Hereditary cancer-predisposing syndrome. Last evaluated: 2026-07-29. Review status: criteria provided, single submitter. Criteria: Ambry Variant Classification Scheme 2023. Collection method: clinical testing. Allele origin: germline.
Comment: The p.L269S variant (also known as c.806T>C), located in coding exon 9 of the BRCA1 gene, results from a T to C substitution at nucleotide position 806. The leucine at codon 269 is replaced by serine, an amino acid with dissimilar properties. This amino acid position is well conserved in available vertebrate species. In addition, this alteration is predicted to be deleterious by in silico analysis. Based on the available evidence, the clinical significance of this variant remains unclear.

NM_007294.4(BRCA1):c.806T>C (p.Leu269Ser)

Gene: BRCA1 (BRCA1 DNA repair associated; minus strand). Cytogenetic location: 17q21.31.
Variant type: single nucleotide variant.
Coding change: c.806T>C on transcript NM_007294.4 (MANE Select); coding-DNA position 806, T replaced by C.
Protein change: p.Leu269Ser; replaces leucine 269 with serine.
Molecular consequence: missense variant. On other transcripts: intron variant (137), 5 prime UTR variant (2).
Genome position (GRCh38, 1-based): chr17:43,094,725, A>G on the plus strand (T>C on the coding strand, the complement: BRCA1 is on the minus strand). VCF-style: chr17-43094725-A-G. GRCh37 (hg19) VCF-style: chr17-41246742-A-G.
Other names: c.680T>C, p.Leu227Ser (NM_001407690.1, NM_001407691.1, NM_001407649.1 and 11 more transcripts); c.665T>C, p.Leu222Ser (NM_001407692.1, NM_001407694.1, NM_001407695.1 and 29 more transcripts); c.806T>C, p.Leu269Ser (NM_001407640.1, NM_001407641.1, NM_001407642.1 and 30 more transcripts); c.803T>C, p.Leu268Ser (NM_001407644.1, NM_001407645.1, NM_001407587.1 and 22 more transcripts); c.797T>C, p.Leu266Ser (NM_001407646.1, NM_001407647.1); c.683T>C, p.Leu228Ser (NM_001407648.1, NM_001407681.1, NM_001407682.1 and 19 more transcripts); c.593T>C, p.Leu198Ser (NM_001407571.1, NM_001407853.1, NM_001407894.1 and 9 more transcripts); c.725T>C, p.Leu242Ser (NM_001407662.1, NM_001407659.1, NM_001407660.1 and 1 more transcripts); and 40 more; short protein forms L158S, L198S, L199S, L141S, L221S, L269S, L157S, L202S.
Identifiers: ClinVar variation 5033151 (VCV005033151.1).